The following is an entry in ClinVar:

ClinVar aggregate classification (germline): Uncertain significance (1 of 4 stars; one submission).

Conditions:
Citrullinemia. Identifiers: Orphanet 187, MedGen C0175683, MONDO:0015991.

Allele frequency attached by ClinVar (database versions not stated): gnomAD exomes below 0.00001; TOPMed below 0.00001.
gnomAD v4.1: 1 of 1,614,188 alleles (0.000062%); highest among the groups gnomAD compares: African/African-American, 0.0013%; no homozygotes.

Submission:

Labcorp Genetics (formerly Invitae), Labcorp
Classification: Uncertain significance for Citrullinemia. Last evaluated: 2021-09-01. Review status: criteria provided, single submitter. Criteria: Invitae Variant Classification Sherloc (09022015). Collection method: clinical testing. Allele origin: germline.
Comment: This sequence change replaces alanine with proline at codon 10 of the ASS1 protein (p.Ala10Pro). The alanine residue is highly conserved and there is a small physicochemical difference between alanine and proline. This variant is not present in population databases (ExAC no frequency). This variant has not been reported in the literature in individuals affected with ASS1-related conditions. Algorithms developed to predict the effect of missense changes on protein structure and function (SIFT, PolyPhen-2, Align-GVGD) all suggest that this variant is likely to be disruptive. In summary, the available evidence is currently insufficient to determine the role of this variant in disease. Therefore, it has been classified as a Variant of Uncertain Significance.

NM_054012.4(ASS1):c.28G>C (p.Ala10Pro)

Gene: ASS1 (argininosuccinate synthase 1; plus strand). Cytogenetic location: 9q34.11.
Variant type: single nucleotide variant.
Coding change: c.28G>C on transcript NM_054012.4 (MANE Select); coding-DNA position 28, G replaced by C.
Protein change: p.Ala10Pro; replaces alanine 10 with proline.
Molecular consequence: missense variant.
Genome position (GRCh38, 1-based): chr9:130,452,256, G>C. VCF-style: chr9-130452256-G-C. GRCh37 (hg19) VCF-style: chr9-133327643-G-C.
Other names: c.28G>C, p.Ala10Pro (NM_000050.4); short protein forms A10P.
Identifiers: ClinVar variation 842451 (VCV000842451.12), dbSNP rs1845345016, ClinGen allele CA375223506.
Genomic context (GRCh38, chr9:130,452,256, plus strand): 5'-ACTCAGGTTGTTCCTCGACTCCCGCCAGACGCTATGTCCAGCAAAGGCTCCGTGGTTCTG[G>C]CCTACAGTGGCGGCCTGGACACCTCGTGCATCCTCGTGTGGCTGAAGGAACAAGGCTATG-3'
Protein context (NP_446464.1, residues 1-20): MSSKGSVVL[Ala10Pro]YSGGLDTSCI